The following is an entry in ClinVar:

NM_000179.3(MSH6):c.3163G>A (p.Ala1055Thr)

Gene: MSH6 (mutS homolog 6; plus strand). Cytogenetic location: 2p16.3.
Variant type: single nucleotide variant.
Coding change: c.3163G>A on transcript NM_000179.3 (MANE Select); coding-DNA position 3163, G replaced by A.
Protein change: p.Ala1055Thr; replaces alanine 1055 with threonine.
Molecular consequence: missense variant.
Genome position (GRCh38, 1-based): chr2:47,801,146, G>A. VCF-style: chr2-47801146-G-A. GRCh37 (hg19) VCF-style: chr2-48028285-G-A.
Other names: c.2773G>A, p.Ala925Thr (NM_001281492.2); c.2257G>A, p.Ala753Thr (NM_001281493.2, NM_001281494.2); short protein forms A1055T, A753T, A925T.
Identifiers: ClinVar variation 89342 (VCV000089342.35), dbSNP rs587779254, ClinGen allele CA011694.

ClinVar aggregate classification (germline): Conflicting classifications of pathogenicity. Review status: criteria provided, conflicting classifications (1 of 4 stars). 12 submissions from 12 submitters: Uncertain significance (10); Likely benign (1). 1 of the submissions does not count toward it. Last evaluated 2025-11-25.

Conditions:
Mismatch repair cancer syndrome 3. Identifiers: MedGen C5436807, MONDO:0030841, OMIM 619097.
Endometrial carcinoma. Also called: Endometrial carcinoma, somatic. Identifiers: MedGen C0476089, MONDO:0002447, OMIM 608089, HP:0012114.
Lynch syndrome 5 (LYNCH5). Also called: Colorectal cancer, hereditary nonpolyposis, type 5; Hereditary non-polyposis colorectal cancer, type 5. Identifiers: Orphanet 144, MedGen C1833477, MONDO:0013710, OMIM 614350. Disease mechanism: loss of function.
Hereditary nonpolyposis colorectal neoplasms. Identifiers: MedGen C0009405, MeSH D003123.
Hereditary cancer-predisposing syndrome. Also called: Neoplastic Syndromes, Hereditary; Tumor predisposition; Hereditary Cancer Syndrome; Hereditary neoplastic syndrome. Identifiers: Orphanet 140162, MedGen C0027672, MeSH D009386, MONDO:0015356.
Mismatch repair cancer syndrome 1 (MMRCS1). Also called: MISMATCH REPAIR DEFICIENCY; MMR DEFICIENCY; BRAIN TUMOR-POLYPOSIS SYNDROME 1; BTP1 SYNDROME; CHILDHOOD CANCER SYNDROME. Identifiers: Orphanet 252202, MedGen C5399763, MONDO:0010159, OMIM 276300. Disease mechanism: loss of function.

Allele frequency attached by ClinVar (database versions not stated): ExAC 0.00001; gnomAD 0.00002; gnomAD exomes 0.00002; TOPMed 0.00003.
gnomAD v4.1: 18 of 1,610,080 alleles (0.0011%); highest among the groups gnomAD compares: Middle Eastern, 0.016%; no homozygotes.

Submissions (12):

Labcorp Genetics (formerly Invitae), Labcorp
Classification: Likely benign for Hereditary nonpolyposis colorectal neoplasms. Last evaluated: 2025-11-25. Review status: criteria provided, single submitter. Criteria: Invitae Variant Classification Sherloc (09022015). Collection method: clinical testing. Allele origin: germline.

GeneDx
Classification: Uncertain significance. Last evaluated: 2025-04-10. Review status: criteria provided, single submitter. Criteria: GeneDx Variant Classification Process June 2021. Collection method: clinical testing. Allele origin: germline. Affected: yes.
Comment: In silico analysis supports that this missense variant has a deleterious effect on protein structure/function; This variant is associated with the following publications: (PMID: 23359684, 26333163, 23621914, 24362816, 27556954, 29596542, 17531815, 21120944, 31204389, 28640387, 38968511)

Quest Diagnostics Nichols Institute San Juan Capistrano
Classification: Uncertain significance. Last evaluated: 2025-03-25. Review status: criteria provided, single submitter. Criteria: Quest Diagnostics criteria. Collection method: clinical testing. Allele origin: unknown.
Comment: The MSH6 c.3163G>A (p.Ala1055Thr) variant has been reported in the published literature in two individuals with attenuated adenomatous polyposis, one of whom was affected by colon cancer (PMID: 38968511 (2024)). An individual with colorectal cancer and colonic polyposis was found to carry this variant and a deleterious variant in the APC gene (PMID: 28640387 (2017)). This variant has also been identified in cis with MSH6 c.2087T>C (p.Ile696Thr) and in trans with MSH6 c.2098C>T (p.Leu700Phe) in an individual with constitutional mismatch repair deficiency (CMMRD) syndrome (PMD: 31204389 (2019)). Additionally, this variant was observed in two individuals with breast cancer and in a reportedly healthy individual in breast cancer case-control studies (PMIDs: 35884425 (2022), 33471991 (2021), see LOVD). The frequency of this variant in the general population (Genome Aggregation Database) is uninformative in the assessment of its pathogenicity. Analysis of this variant using bioinformatics tools for the prediction of the effect of amino acid changes on protein structure and function yielded predictions that this variant is damaging. Based on the available information, we are unable to determine the clinical significance of this variant.

Center for Genomic Medicine, Rigshospitalet, Copenhagen University Hospital
Classification: Uncertain significance. Last evaluated: 2025-03-04. Review status: criteria provided, single submitter. Criteria: ACMG Guidelines, 2015. Collection method: clinical testing. Allele origin: germline.

Molecular Pathology, Peter Maccallum Cancer Centre
Classification: Uncertain significance for Lynch syndrome 5. Last evaluated: 2024-12-20. Review status: criteria provided, single submitter. Criteria: ACMG Guidelines, 2015. Collection method: clinical testing. Allele origin: germline. Inheritance: Autosomal dominant inheritance.

Ambry Genetics
Classification: Uncertain significance for Hereditary cancer-predisposing syndrome. Last evaluated: 2024-07-05. Review status: criteria provided, single submitter. Criteria: Ambry Variant Classification Scheme 2023. Collection method: clinical testing. Allele origin: germline.
Comment: The p.A1055T variant (also known as c.3163G>A), located in coding exon 4 of the MSH6 gene, results from a G to A substitution at nucleotide position 3163. The alanine at codon 1055 is replaced by threonine, an amino acid with similar properties. This variant was reported to co-occur with a pathogenic APC deletion in an individual with colorectal cancer and numerous (at least 100) colorectal polyps (Ricker CN et al. Cancer, 2017 Oct;123:3732-3743). This alteration was identified in cis with c.2087T>C and in trans with c.2098C>T (Suerink M et al. Genet Med, 2019 12;21:2706-2712). This amino acid position is highly conserved in available vertebrate species. In addition, this alteration is predicted to be deleterious by in silico analysis. Since supporting evidence is limited at this time, the clinical significance of this alteration remains unclear.

Color Diagnostics, LLC DBA Color Health
Classification: Uncertain significance for Hereditary cancer-predisposing syndrome. Last evaluated: 2024-03-18. Review status: criteria provided, single submitter. Criteria: ACMG Guidelines, 2015. Collection method: clinical testing. Allele origin: germline.
Comment: This missense variant replaces alanine with threonine at codon 1055 of the MSH6 protein. Computational prediction suggests that this variant may have deleterious impact on protein structure and function (internally defined REVEL score threshold >= 0.7, PMID: 27666373). To our knowledge, functional studies have not been reported for this variant. This variant has been reported in individuals affected with colorectal cancer, however, both individuals also had a co-occurring pathogenic variant (PMID: 28640387, 29596542). This variant has been identified in 7/276690 chromosomes in the general population by the Genome Aggregation Database (gnomAD). The available evidence is insufficient to determine the role of this variant in disease conclusively. Therefore, this variant is classified as a Variant of Uncertain Significance.

Baylor Genetics
Classification: Uncertain significance for Endometrial carcinoma. Last evaluated: 2024-03-10. Review status: criteria provided, single submitter. Criteria: ACMG Guidelines, 2015. Collection method: clinical testing. Allele origin: unknown.

Myriad Genetics, Inc.
Classification: Uncertain significance for Lynch syndrome 5. Last evaluated: 2023-03-29. Review status: criteria provided, single submitter. Criteria: Myriad Autosomal Dominant, Autosomal Recessive and X-Linked Classification Criteria (2023). Collection method: clinical testing. Allele origin: unknown.
Comment: This variant is classified as a variant of uncertain significance as there is insufficient evidence to determine its impact on protein function and/or cancer risk.

Fulgent Genetics
Classification: Uncertain significance for Mismatch repair cancer syndrome 1; Endometrial carcinoma; Lynch syndrome 5. Last evaluated: 2018-10-31. Review status: criteria provided, single submitter. Criteria: ACMG Guidelines, 2015. Collection method: clinical testing. Allele origin: unknown.

Juno Genomics, Hangzhou Juno Genomics, Inc
Classification: Uncertain significance for Lynch syndrome 5; Endometrial carcinoma; Mismatch repair cancer syndrome 3. Review status: criteria provided, single submitter. Criteria: ACMG Guidelines, 2015. Collection method: clinical testing. Allele origin: germline.
Comment: Absent from controls (or at extremely low frequency if recessive) in Genome Aggregation Database.;Novel missense change at an amino acid residue where a different missense change determined to be pathogenic has been seen before.;Multiple lines of computational evidence support a deleterious effect on the gene or gene product.

Counsyl
Classification: Uncertain significance for Lynch syndrome 5. Last evaluated: 2015-12-08. Review status: no assertion criteria provided. Collection method: clinical testing. Allele origin: unknown. Not counted in ClinVar's aggregate classification.

Literature cited by the submitters: PubMed 33471991 (cited by Quest Diagnostics Nichols Institute San Juan Capistrano); PubMed 35884425 (cited by Quest Diagnostics Nichols Institute San Juan Capistrano); PubMed 38968511 (cited by Quest Diagnostics Nichols Institute San Juan Capistrano); PubMed 35739269 (cited by Quest Diagnostics Nichols Institute San Juan Capistrano); PubMed 31204389 (cited by 3 submitters); PubMed 31104363 (cited by Quest Diagnostics Nichols Institute San Juan Capistrano); PubMed 29596542 (cited by Quest Diagnostics Nichols Institute San Juan Capistrano and Color Diagnostics, LLC DBA Color Health); PubMed 28640387 (cited by 3 submitters); PubMed 23359684 (cited by Quest Diagnostics Nichols Institute San Juan Capistrano and Counsyl).